The following is an entry in ClinVar:

NM_014165.4(NDUFAF4):c.269C>T (p.Pro90Leu)

Gene: NDUFAF4 (NADH:ubiquinone oxidoreductase complex assembly factor 4; minus strand). Cytogenetic location: 6q16.1.
Variant type: single nucleotide variant.
Coding change: c.269C>T on transcript NM_014165.4 (MANE Select); coding-DNA position 269, C replaced by T.
Protein change: p.Pro90Leu; replaces proline 90 with leucine.
Molecular consequence: missense variant.
Genome position (GRCh38, 1-based): chr6:96,891,363, G>A on the plus strand (C>T on the coding strand, the complement: NDUFAF4 is on the minus strand). VCF-style: chr6-96891363-G-A. GRCh37 (hg19) VCF-style: chr6-97339239-G-A.
Other names: c.269C>T (NM_014165.3); short protein forms P90L.
Identifiers: ClinVar variation 2186126 (VCV002186126.5), dbSNP rs750297602, ClinGen allele CA3931409.
Genomic context (GRCh38, chr6:96,891,363, plus strand): 5'-GGAATGCTCTTAATATTTATCATATCAAAATGATGGTCTTTCGGCAATCTGAATTCCTTC[G>A]GCTCTTGACATGTTTCAGCAGCTTTTACCTAGTATCAAAAAAAAAAGGTTTTAGGATGAG-3'
Protein context (NP_054884.1, residues 80-100): QVKAAETCQE[Pro90Leu]KEFRLPKDHH

ClinVar aggregate classification (germline): Uncertain significance. Review status: criteria provided, multiple submitters, no conflicts (2 of 4 stars). 2 submissions from 2 submitters: Uncertain significance (2). Last evaluated 2022-08-13.

Conditions:
Inborn genetic diseases. Identifiers: MedGen C0950123, MeSH D030342.

Allele frequency attached by ClinVar (database versions not stated): gnomAD 0.00004; gnomAD exomes 0.00004; ExAC 0.00006; TOPMed 0.00008.

Submissions (2):

Labcorp Genetics (formerly Invitae), Labcorp
Classification: Uncertain significance. Last evaluated: 2022-08-13. Review status: criteria provided, single submitter. Criteria: Invitae Variant Classification Sherloc (09022015). Collection method: clinical testing. Allele origin: germline.
Comment: Algorithms developed to predict the effect of missense changes on protein structure and function are either unavailable or do not agree on the potential impact of this missense change (SIFT: "Deleterious"; PolyPhen-2: "Probably Damaging"; Align-GVGD: "Class C0"). In summary, the available evidence is currently insufficient to determine the role of this variant in disease. Therefore, it has been classified as a Variant of Uncertain Significance. This variant has not been reported in the literature in individuals affected with NDUFAF4-related conditions. This variant is present in population databases (rs750297602, gnomAD 0.07%). This sequence change replaces proline, which is neutral and non-polar, with leucine, which is neutral and non-polar, at codon 90 of the NDUFAF4 protein (p.Pro90Leu).

Ambry Genetics
Classification: Uncertain significance for Inborn genetic diseases. Last evaluated: 2022-02-03. Review status: criteria provided, single submitter. Criteria: Ambry Variant Classification Scheme 2023. Collection method: clinical testing. Allele origin: germline.